The following is an entry in ClinVar:

ClinVar aggregate classification (germline): Uncertain significance. Review status: criteria provided, multiple submitters, no conflicts (2 of 4 stars). 4 submissions from 4 submitters: Uncertain significance (4). Last evaluated 2025-12-17.

Conditions:
Inborn genetic diseases. Identifiers: MedGen C0950123, MeSH D030342.
TJP2-related disorder. Also called: TJP2-related condition.

Allele frequency attached by ClinVar (database versions not stated): ExAC 0.00003; gnomAD exomes 0.00004; ESP Exome Variant Server 0.00008.
gnomAD v4.1: 68 of 1,613,994 alleles (0.0042%); highest among the groups gnomAD compares: Non-Finnish European, 0.0058%; no homozygotes.

Submissions (4):

Labcorp Genetics (formerly Invitae), Labcorp
Classification: Uncertain significance. Last evaluated: 2025-12-17. Review status: criteria provided, single submitter. Criteria: Invitae Variant Classification Sherloc (09022015). Collection method: clinical testing. Allele origin: germline.
Comment: This sequence change replaces glycine, which is neutral and non-polar, with serine, which is neutral and polar, at codon 1080 of the TJP2 protein (p.Gly1080Ser). This variant is present in population databases (rs200355922, gnomAD 0.01%). This variant has not been reported in the literature in individuals affected with TJP2-related conditions. ClinVar contains an entry for this variant (Variation ID: 2420852). An algorithm developed to predict the effect of missense changes on protein structure and function (PolyPhen-2) suggests that this variant is likely to be disruptive. In summary, the available evidence is currently insufficient to determine the role of this variant in disease. Therefore, it has been classified as a Variant of Uncertain Significance.

Ambry Genetics
Classification: Uncertain significance for Inborn genetic diseases. Last evaluated: 2025-08-06. Review status: criteria provided, single submitter. Criteria: Ambry Variant Classification Scheme 2023. Collection method: clinical testing. Allele origin: germline.

Blueprint Genetics
Classification: Uncertain significance. Last evaluated: 2024-11-11. Review status: criteria provided, single submitter. Criteria: ACMG Guidelines, 2015. Collection method: clinical testing. Allele origin: germline.

PreventionGenetics, part of Exact Sciences
Classification: Uncertain significance for TJP2-related condition. Last evaluated: 2023-05-11. Review status: criteria provided, single submitter. Criteria: ACMG Guidelines, 2015. Collection method: clinical testing. Allele origin: germline.
Comment: The TJP2 c.3238G>A variant is predicted to result in the amino acid substitution p.Gly1080Ser. To our knowledge, this variant has not been reported in the literature. This variant is reported in 0.012% of alleles in individuals of European (Non-Finnish) descent in gnomAD. At this time, the clinical significance of this variant is uncertain due to the absence of conclusive functional and genetic evidence.

NM_004817.4(TJP2):c.3238G>A (p.Gly1080Ser)

Gene: TJP2 (tight junction protein 2; plus strand). Cytogenetic location: 9q21.11.
Variant type: single nucleotide variant.
Coding change: c.3238G>A on transcript NM_004817.4 (MANE Select); coding-DNA position 3238, G replaced by A.
Protein change: p.Gly1080Ser; replaces glycine 1080 with serine.
Molecular consequence: missense variant. On other transcripts: intron variant (3).
Genome position (GRCh38, 1-based): chr9:69,251,281, G>A. VCF-style: chr9-69251281-G-A. GRCh37 (hg19) VCF-style: chr9-71866197-G-A.
Other names: c.3139G>A, p.Gly1047Ser (NM_001170415.1); c.3331G>A, p.Gly1111Ser (NM_001170416.2); c.3163G>A, p.Gly1055Ser (NM_001369870.1); c.3169G>A, p.Gly1057Ser (NM_001369871.1); c.3127G>A, p.Gly1043Ser (NM_001369872.1); c.2914G>A, p.Gly972Ser (NM_001369873.1); c.3250G>A, p.Gly1084Ser (NM_001369875.1); c.2812-1534G>A (NM_001170414.2); and 3 more; short protein forms G1043S, G1047S, G1055S, G1057S, G1080S, G1084S, G1111S, G972S.
Identifiers: ClinVar variation 2420852 (VCV002420852.8), dbSNP rs200355922, ClinGen allele CA5073908.